The following is an entry in ClinVar:

ClinVar aggregate classification (germline): Uncertain significance (0 of 4 stars; one submission).

Conditions:
LTBP4-related disorder. Also called: LTBP4-related condition.

gnomAD v4.1: 8 of 1,546,792 alleles (0.00052%); highest among the groups gnomAD compares: African/African-American, 0.0014%; no homozygotes.

Submission:

PreventionGenetics, part of Exact Sciences
Classification: Uncertain significance for LTBP4-related condition. Last evaluated: 2024-06-03. Review status: no assertion criteria provided. Collection method: clinical testing. Allele origin: germline.
Comment: The LTBP4 c.4379G>A variant is predicted to result in the amino acid substitution p.Ala1460His. To our knowledge, this variant has not been reported in the literature or in a large population database, indicating this variant is rare. At this time, the clinical significance of this variant is uncertain due to the absence of conclusive functional and genetic evidence.

NM_001042545.2(LTBP4):c.4289G>A (p.Arg1430His)

Gene: LTBP4 (latent transforming growth factor beta binding protein 4; plus strand). Cytogenetic location: 19q13.2.
Variant type: single nucleotide variant.
Coding change: c.4289G>A on transcript NM_001042545.2 (MANE Select); coding-DNA position 4289, G replaced by A.
Protein change: p.Arg1430His; replaces arginine 1430 with histidine.
Molecular consequence: missense variant.
Genome position (GRCh38, 1-based): chr19:40,627,278, G>A. VCF-style: chr19-40627278-G-A. GRCh37 (hg19) VCF-style: chr19-41133183-G-A.
Other names: c.4490G>A, p.Arg1497His (NM_001042544.1); c.4379G>A, p.Arg1460His (NM_003573.2); short protein forms R1430H, R1460H, R1497H.
Identifiers: ClinVar variation 3351827 (VCV003351827.1).
Genomic context (GRCh38, chr19:40,627,278, plus strand): 5'-AGGACGATGGTGGCCCCTATGGCGAATCTGAGGCTCCTGCGCCACCTGGCCCGGGCACCC[G>A]CTGGCCCTATCGGTCCCGGGACACCCGCCGCTCCTTCCCAGAGCCCGAGGAGCCTCCTGA-3'
Protein context (NP_001036010.1, residues 1420-1440): EAPAPPGPGT[Arg1430His]WPYRSRDTRR